The following is an entry in ClinVar:

NM_020738.4(KIDINS220):c.4004C>T (p.Thr1335Met)

Gene: KIDINS220 (kinase D interacting substrate 220; minus strand). Cytogenetic location: 2p25.1.
Variant type: single nucleotide variant.
Coding change: c.4004C>T on transcript NM_020738.4 (MANE Select); coding-DNA position 4004, C replaced by T.
Protein change: p.Thr1335Met; replaces threonine 1335 with methionine.
Molecular consequence: missense variant. On other transcripts: non-coding transcript variant (2).
Genome position (GRCh38, 1-based): chr2:8,733,493, G>A on the plus strand (C>T on the coding strand, the complement: KIDINS220 is on the minus strand). VCF-style: chr2-8733493-G-A. GRCh37 (hg19) VCF-style: chr2-8873623-G-A.
Other names: c.4007C>T, p.Thr1336Met (NM_001348729.2); c.3950C>T, p.Thr1317Met (NM_001348731.2); c.3947C>T, p.Thr1316Met (NM_001348732.2, NM_001348738.2); c.3836C>T, p.Thr1279Met (NM_001348734.2, NM_001348739.2, NM_001348740.2); c.3833C>T, p.Thr1278Met (NM_001348735.2, NM_001348741.2, NM_001348742.2 and 1 more transcripts); c.3707C>T, p.Thr1236Met (NM_001348736.2); c.4004C>T (NM_020738.2); short protein forms T1279M, T1316M, T1317M, T1335M, T1236M, T1278M, T1336M.
Identifiers: ClinVar variation 2146577 (VCV002146577.7), dbSNP rs146753792, ClinGen allele CA1519452.

ClinVar aggregate classification (germline): Conflicting classifications of pathogenicity. Review status: criteria provided, conflicting classifications (1 of 4 stars). 3 submissions from 3 submitters: Uncertain significance (1); Likely benign (1). 1 of the submissions does not count toward it. Last evaluated 2025-03-17.

Conditions:
Inborn genetic diseases. Identifiers: MedGen C0950123, MeSH D030342.
KIDINS220-related disorder. Also called: KIDINS220-related condition.

Allele frequency attached by ClinVar (database versions not stated): gnomAD exomes 0.00001; ExAC 0.00007; gnomAD 0.00009; TOPMed 0.00011; 1000 Genomes Project 30x 0.00016; ESP Exome Variant Server 0.00016; 1000 Genomes Project 0.00020.
gnomAD v4.1: 36 of 1,614,124 alleles (0.0022%); highest among the groups gnomAD compares: African/African-American, 0.024%; no homozygotes.

Submissions (3):

Labcorp Genetics (formerly Invitae), Labcorp
Classification: Uncertain significance. Last evaluated: 2025-03-17. Review status: criteria provided, single submitter. Criteria: Invitae Variant Classification Sherloc (09022015). Collection method: clinical testing. Allele origin: germline.
Comment: This sequence change replaces threonine, which is neutral and polar, with methionine, which is neutral and non-polar, at codon 1335 of the KIDINS220 protein (p.Thr1335Met). This variant is present in population databases (rs146753792, gnomAD 0.05%). This variant has not been reported in the literature in individuals affected with KIDINS220-related conditions. ClinVar contains an entry for this variant (Variation ID: 2146577). An algorithm developed to predict the effect of missense changes on protein structure and function (PolyPhen-2) suggests that this variant is likely to be disruptive. In summary, the available evidence is currently insufficient to determine the role of this variant in disease. Therefore, it has been classified as a Variant of Uncertain Significance.

Ambry Genetics
Classification: Likely benign for Inborn genetic diseases. Last evaluated: 2022-04-22. Review status: criteria provided, single submitter. Criteria: Ambry Variant Classification Scheme 2023. Collection method: clinical testing. Allele origin: germline.

PreventionGenetics, part of Exact Sciences
Classification: Uncertain significance for KIDINS220-related condition. Last evaluated: 2024-08-09. Review status: no assertion criteria provided. Collection method: clinical testing. Allele origin: germline. Not counted in ClinVar's aggregate classification.
Comment: The KIDINS220 c.4004C>T variant is predicted to result in the amino acid substitution p.Thr1335Met. To our knowledge, this variant has not been reported in the literature. This variant is reported in 0.054% of alleles in individuals of African descent in gnomAD, which may be too common to be a primary cause of disease. Although we suspect that this variant may be benign, at this time, the clinical significance of this variant is uncertain due to the absence of conclusive functional and genetic evidence.